The following is an entry in ClinVar:

ClinVar aggregate classification (germline): Uncertain significance. Review status: criteria provided, multiple submitters, no conflicts (2 of 4 stars). 2 submissions from 2 submitters: Uncertain significance (2). Last evaluated 2025-01-31.

Conditions:
Early-onset Lafora body disease. Also called: Epilepsy, progressive myoclonic, 10. Identifiers: Orphanet 324290, MedGen C4225258, MONDO:0014717, OMIM 616640.

Allele frequency attached by ClinVar (database versions not stated): gnomAD exomes 0.00003; TOPMed 0.00002; gnomAD 0.00003.
gnomAD v4.1: 69 of 1,560,134 alleles (0.0044%); highest among the groups gnomAD compares: Non-Finnish European, 0.0059%; no homozygotes.

Submissions (2):

Ambry Genetics
Classification: Uncertain significance. Last evaluated: 2025-01-31. Review status: criteria provided, single submitter. Criteria: Ambry Variant Classification Scheme 2023. Collection method: clinical testing. Allele origin: germline.

Labcorp Genetics (formerly Invitae), Labcorp
Classification: Uncertain significance for Early-onset Lafora body disease. Last evaluated: 2022-03-19. Review status: criteria provided, single submitter. Criteria: Invitae Variant Classification Sherloc (09022015). Collection method: clinical testing. Allele origin: germline.
Comment: This sequence change replaces glycine, which is neutral and non-polar, with valine, which is neutral and non-polar, at codon 558 of the PRDM8 protein (p.Gly558Val). This variant is present in population databases (no rsID available, gnomAD 0.008%). This variant has not been reported in the literature in individuals affected with PRDM8-related conditions. Algorithms developed to predict the effect of missense changes on protein structure and function are either unavailable or do not agree on the potential impact of this missense change (SIFT: "Deleterious"; PolyPhen-2: "Benign"; Align-GVGD: "Class C0"). In summary, the available evidence is currently insufficient to determine the role of this variant in disease. Therefore, it has been classified as a Variant of Uncertain Significance.

NM_001099403.2(PRDM8):c.1673G>T (p.Gly558Val)

Gene: PRDM8 (PR/SET domain 8; plus strand). Cytogenetic location: 4q21.21.
Variant type: single nucleotide variant.
Coding change: c.1673G>T on transcript NM_001099403.2 (MANE Select); coding-DNA position 1673, G replaced by T.
Protein change: p.Gly558Val; replaces glycine 558 with valine.
Molecular consequence: missense variant.
Genome position (GRCh38, 1-based): chr4:80,203,135, G>T. VCF-style: chr4-80203135-G-T. GRCh37 (hg19) VCF-style: chr4-81124289-G-T.
Other names: c.1673G>T, p.Gly558Val (NM_020226.4); c.1673G>T (NM_020226.3); short protein forms G558V.
Identifiers: ClinVar variation 1392299 (VCV001392299.6), dbSNP rs1454069268, ClinGen allele CA357402044.
Genomic context (GRCh38, chr4:80,203,135, plus strand): 5'-ATCCCGCCGCCGCGGACCCTCTAGCGGTGAAGCTCCAGGGGGCCGCGGACCTGAACGGAG[G>T]TTGCGGGTCCCTGCCGAGCGGCGGCGGCGGCCTGCCTAAGCAGAGCCCCTTCCTGTACGC-3'
Protein context (NP_001092873.1, residues 548-568): KLQGAADLNG[Gly558Val]CGSLPSGGGG